The following is an entry in ClinVar:

ClinVar aggregate classification (germline): Benign (1 of 4 stars; one submission).

Conditions:
Lynch syndrome 4 (LYNCH4). Also called: Colorectal cancer, hereditary nonpolyposis, type 4; Hereditary non-polyposis colorectal cancer, type 4. Identifiers: Orphanet 144, MedGen C1838333, MONDO:0013699, OMIM 614337. Disease mechanism: loss of function.

Submission:

Myriad Genetics, Inc.
Classification: Benign for Lynch syndrome 4. Last evaluated: 2025-02-04. Review status: criteria provided, single submitter. Criteria: Myriad Autosomal Dominant, Autosomal Recessive and X-Linked Classification Criteria (2023). Collection method: clinical testing. Allele origin: unknown.
Comment: This variant is considered benign. This variant is a silent/synonymous amino acid change and it is not expected to impact splicing.

NM_000535.7(PMS2):c.2400T>G (p.Pro800=)

Gene: PMS2 (PMS1 homolog 2, mismatch repair system component; minus strand). Cytogenetic location: 7p22.1.
Variant type: single nucleotide variant.
Coding change: c.2400T>G on transcript NM_000535.7 (MANE Select); coding-DNA position 2400, T replaced by G.
Protein change: p.Pro800=; no amino-acid change (proline 800 retained).
Molecular consequence: synonymous variant. On other transcripts: non-coding transcript variant (1).
Genome position (GRCh38, 1-based): chr7:5,977,633, A>C on the plus strand (T>G on the coding strand, the complement: PMS2 is on the minus strand). VCF-style: chr7-5977633-A-C. GRCh37 (hg19) VCF-style: chr7-6017264-A-C.
Other names: c.1995T>G, p.Pro665= (NM_001322003.2, NM_001322004.2, NM_001322005.2 and 11 more transcripts); c.2244T>G, p.Pro748= (NM_001322006.2); c.2082T>G, p.Pro694= (NM_001322007.2, NM_001322008.2, NM_001406883.1); c.2028T>G, p.Pro676= (NM_001322009.2, NM_001406887.1, NM_001406888.1); c.1839T>G, p.Pro613= (NM_001322010.2, NM_001406906.1, NM_001406907.1); c.1467T>G, p.Pro489= (NM_001322011.2, NM_001322012.2); c.1827T>G, p.Pro609= (NM_001322013.2, NM_001406908.1, NM_001406909.1); c.2433T>G, p.Pro811= (NM_001322014.2); and 20 more.
Identifiers: ClinVar variation 3903984 (VCV003903984.1).